The following is an entry in ClinVar:

ClinVar aggregate classification (germline): Uncertain significance (1 of 4 stars; one submission).

Submission:

GeneDx
Classification: Uncertain significance. Last evaluated: 2025-07-10. Review status: criteria provided, single submitter. Criteria: GeneDx Variant Classification Process June 2021. Collection method: clinical testing. Allele origin: germline. Affected: yes.
Comment: Not observed at significant frequency in large population cohorts (gnomAD); In silico analysis supports that this missense variant has a deleterious effect on protein structure/function; Has not been previously published as pathogenic or benign to our knowledge

NM_001170629.2(CHD8):c.4856A>G (p.Glu1619Gly)

Gene: CHD8 (chromodomain helicase DNA binding protein 8; minus strand). Cytogenetic location: 14q11.2.
Variant type: single nucleotide variant.
Coding change: c.4856A>G on transcript NM_001170629.2 (MANE Select); coding-DNA position 4856, A replaced by G.
Protein change: p.Glu1619Gly; replaces glutamic acid 1619 with glycine.
Molecular consequence: missense variant.
Genome position (GRCh38, 1-based): chr14:21,399,667, T>C on the plus strand (A>G on the coding strand, the complement: CHD8 is on the minus strand). VCF-style: chr14-21399667-T-C. GRCh37 (hg19) VCF-style: chr14-21867826-T-C.
Other names: c.4019A>G, p.Glu1340Gly (NM_020920.4); short protein forms E1340G, E1619G.
Identifiers: ClinVar variation 4685128 (VCV004685128.1).